The following is an entry in ClinVar:

ClinVar aggregate classification (germline): Benign. Review status: criteria provided, multiple submitters, no conflicts (2 of 4 stars). 3 submissions from 3 submitters: Benign (3). Last evaluated 2018-07-07.

Conditions:
Severe combined immunodeficiency, autosomal recessive, T cell-negative, B cell-negative, NK cell-negative, due to adenosine deaminase deficiency. Also called: ADA deficiency; Adenosine deaminase deficient severe combined immunodeficiency; Severe combined immunodeficiency due to ADA deficiency; Adenosine Deaminase Deficiency; SCID DUE TO ADA DEFICIENCY; SCID DUE TO ADA DEFICIENCY, EARLY-ONSET. Identifiers: Orphanet 277, MedGen C0392607, MONDO:0007064, OMIM 102700.

Allele frequency attached by ClinVar (database versions not stated): gnomAD 0.04290 and 0.04373; 1000 Genomes Project 30x 0.02280; 1000 Genomes Project 0.02117; TOPMed 0.04228.

Submissions (3):

GeneDx
Classification: Benign. Last evaluated: 2018-07-07. Review status: criteria provided, single submitter. Criteria: GeneDx Variant Classification Process June 2021. Collection method: clinical testing. Allele origin: germline. Affected: yes.

Illumina Laboratory Services, Illumina
Classification: Benign for Severe combined immunodeficiency, autosomal recessive, T cell-negative, B cell-negative, NK cell-negative, due to adenosine deaminase deficiency. Last evaluated: 2018-01-13. Review status: criteria provided, single submitter. Criteria: ICSL Variant Classification Criteria 13 December 2019. Collection method: clinical testing. Allele origin: germline.
Comment: This variant was observed in the ICSL laboratory as part of a predisposition screen in an ostensibly healthy population. It had not been previously curated by ICSL or reported in the Human Gene Mutation Database (HGMD: prior to June 1st, 2018), and was therefore a candidate for classification through an automated scoring system. Utilizing variant allele frequency, disease prevalence and penetrance estimates, and inheritance mode, an automated score was calculated to assess if this variant is too frequent to cause the disease. Based on the score and internal cut-off values, a variant classified as benign is not then subjected to further curation. The score for this variant resulted in a classification of benign for this disease.

Breakthrough Genomics
Classification: Benign. Review status: criteria provided, single submitter. Criteria: ACMG Guidelines, 2015. Collection method: not provided. Allele origin: germline. Inheritance: Autosomal recessive inheritance. Affected: yes.

NM_000022.2(ADA):c.-101G>A

Genes: ADA (adenosine deaminase; minus strand), LOC107303343 (adenosine deaminase intronic regulatory elements; plus strand). Cytogenetic location: 20q13.12.
Variant type: single nucleotide variant.
Coding change: c.-101G>A on transcript NM_000022.2; 101 bases upstream of the start codon, G replaced by A.
Genome position (GRCh38, 1-based): chr20:44,651,708, C>T on the plus strand (G>A on the coding strand, the complement: ADA is on the minus strand). VCF-style: chr20-44651708-C-T. GRCh37 (hg19) VCF-style: chr20-43280349-C-T.
Identifiers: ClinVar variation 338512 (VCV000338512.10), dbSNP rs36216718, ClinGen allele CA10643948.